The following is an entry in ClinVar:

ClinVar aggregate classification (germline): Likely benign. Review status: criteria provided, multiple submitters, no conflicts (2 of 4 stars). 2 submissions from 2 submitters: Likely benign (2). Last evaluated 2025-11-17.

Allele frequency attached by ClinVar (database versions not stated): gnomAD exomes 0.00003 and 0.00004; gnomAD 0.00006; TOPMed 0.00007; ExAC 0.00013.
gnomAD v4.1: 49 of 1,548,392 alleles (0.0032%); highest among the groups gnomAD compares: Middle Eastern, 0.017%; no homozygotes.

Submissions (2):

Labcorp Genetics (formerly Invitae), Labcorp
Classification: Likely benign. Last evaluated: 2025-11-17. Review status: criteria provided, single submitter. Criteria: Invitae Variant Classification Sherloc (09022015). Collection method: clinical testing. Allele origin: germline.

CeGaT Center for Human Genetics Tuebingen
Classification: Likely benign. Last evaluated: 2023-11-01. Review status: criteria provided, single submitter. Criteria: CeGaT Center For Human Genetics Tuebingen Variant Classification Criteria Version 2. Collection method: clinical testing. Allele origin: germline. Affected: yes. Observed: 1 variant allele.
Comment: NOTCH3: BP4, BP7

NM_000435.3(NOTCH3):c.2358C>T (p.Cys786=)

Gene: NOTCH3 (notch receptor 3; minus strand). Cytogenetic location: 19p13.12.
Variant type: single nucleotide variant.
Coding change: c.2358C>T on transcript NM_000435.3 (MANE Select); coding-DNA position 2358, C replaced by T.
Protein change: p.Cys786=; no amino-acid change (cysteine 786 retained).
Molecular consequence: synonymous variant.
Genome position (GRCh38, 1-based): chr19:15,184,958, G>A on the plus strand (C>T on the coding strand, the complement: NOTCH3 is on the minus strand). VCF-style: chr19-15184958-G-A. GRCh37 (hg19) VCF-style: chr19-15295769-G-A.
Identifiers: ClinVar variation 1476318 (VCV001476318.31), dbSNP rs754220821, ClinGen allele CA9263382.